The following is an entry in ClinVar:

NM_001374828.1(ARID1B):c.1262C>T (p.Ala421Val)

Gene: ARID1B (AT-rich interaction domain 1B; plus strand). Cytogenetic location: 6q25.3.
Variant type: single nucleotide variant.
Coding change: c.1262C>T on transcript NM_001374828.1 (MANE Select); coding-DNA position 1262, C replaced by T.
Protein change: p.Ala421Val; replaces alanine 421 with valine.
Molecular consequence: missense variant.
Genome position (GRCh38, 1-based): chr6:156,778,942, C>T. VCF-style: chr6-156778942-C-T. GRCh37 (hg19) VCF-style: chr6-157100076-C-T.
Other names: c.1262C>T, p.Ala421Val (NM_001371656.1, NM_001374820.1, NM_017519.3); short protein forms A421V.
Identifiers: ClinVar variation 1519394 (VCV001519394.8), dbSNP rs1778937602, ClinGen allele CA366383787.

ClinVar aggregate classification (germline): Uncertain significance (1 of 4 stars; one submission).

Allele frequency attached by ClinVar (database versions not stated): gnomAD exomes below 0.00001; gnomAD 0.00002.
gnomAD v4.1: 7 of 1,299,314 alleles (0.00054%); highest among the groups gnomAD compares: Admixed American, 0.021%; no homozygotes.

Submission:

Labcorp Genetics (formerly Invitae), Labcorp
Classification: Uncertain significance. Last evaluated: 2024-02-17. Review status: criteria provided, single submitter. Criteria: Invitae Variant Classification Sherloc (09022015). Collection method: clinical testing. Allele origin: germline.
Comment: This sequence change replaces alanine, which is neutral and non-polar, with valine, which is neutral and non-polar, at codon 338 of the ARID1B protein (p.Ala338Val). The frequency data for this variant in the population databases is considered unreliable, as metrics indicate insufficient coverage at this position in the gnomAD database. This variant has not been reported in the literature in individuals affected with ARID1B-related conditions. ClinVar contains an entry for this variant (Variation ID: 1519394). Experimental studies and prediction algorithms are not available or were not evaluated, and the functional significance of this variant is currently unknown. In summary, the available evidence is currently insufficient to determine the role of this variant in disease. Therefore, it has been classified as a Variant of Uncertain Significance.